The following is an entry in ClinVar:

ClinVar aggregate classification (germline): Conflicting classifications of pathogenicity. Review status: criteria provided, conflicting classifications (1 of 4 stars). 9 submissions from 9 submitters: Uncertain significance (1); Likely benign (7). 1 of the submissions does not count toward it. Last evaluated 2026-01-08.

Conditions:
Familial thoracic aortic aneurysm and aortic dissection (TAAD). Also called: Thoracic aortic aneurysms and dissections. Identifiers: Orphanet 91387, MedGen C4707243, MONDO:0019625.
Aortic aneurysm, familial thoracic 4 (AAT4). Also called: AORTIC ANEURYSM/AORTIC DISSECTION AND PATENT DUCTUS ARTERIOSUS. Identifiers: MedGen C1851504, MONDO:0007568, OMIM 132900.
MYH11-related disorder. Also called: MYH11-related condition.

Allele frequency attached by ClinVar (database versions not stated): ExAC 0.00007; TOPMed 0.00007; gnomAD 0.00009 and 0.00010; gnomAD exomes 0.00011 and 0.00012; ESP Exome Variant Server 0.00015.
gnomAD v4.1: 173 of 1,613,982 alleles (0.011%); highest among the groups gnomAD compares: Non-Finnish European, 0.013%; no homozygotes.

Submissions (9):

Labcorp Genetics (formerly Invitae), Labcorp
Classification: Likely benign for Aortic aneurysm, familial thoracic 4. Last evaluated: 2026-01-08. Review status: criteria provided, single submitter. Criteria: Invitae Variant Classification Sherloc (09022015). Collection method: clinical testing. Allele origin: germline.

Molecular Diagnostic Laboratory for Inherited Cardiovascular Disease, Montreal Heart Institute
Classification: Likely benign. Last evaluated: 2025-04-09. Review status: criteria provided, single submitter. Criteria: ACMG Guidelines, 2015. Collection method: clinical testing. Allele origin: germline. Affected: no.

All of Us Research Program, National Institutes of Health
Classification: Likely benign for Familial thoracic aortic aneurysm and aortic dissection. Last evaluated: 2023-12-13. Review status: criteria provided, single submitter. Criteria: ACMG Guidelines, 2015. Collection method: clinical testing. Allele origin: germline. Inheritance: Autosomal dominant inheritance. Observed: 22 variant alleles, 22 heterozygotes.
Comment: This study involves interpretation of variants in research participants for the purpose of population health screening. Participant phenotype was not available at the time of variant classification. Additional details can be found in publication PMID: 35346344, PMCID: PMC8962531

ARUP Laboratories, Molecular Genetics and Genomics, ARUP Laboratories
Classification: Likely benign. Last evaluated: 2023-10-19. Review status: criteria provided, single submitter. Criteria: ARUP Molecular Germline Variant Investigation Process 2024. Collection method: clinical testing. Allele origin: germline.

GeneDx
Classification: Likely benign. Last evaluated: 2019-04-30. Review status: criteria provided, single submitter. Criteria: GeneDx Variant Classification Process June 2021. Collection method: clinical testing. Allele origin: germline. Affected: yes.

Color Diagnostics, LLC DBA Color Health
Classification: Likely benign for Familial thoracic aortic aneurysm and aortic dissection. Last evaluated: 2018-04-28. Review status: criteria provided, single submitter. Criteria: ACMG Guidelines, 2015. Collection method: clinical testing. Allele origin: germline.

Illumina Laboratory Services, Illumina
Classification: Uncertain significance for Aortic aneurysm, familial thoracic 4. Last evaluated: 2018-01-13. Review status: criteria provided, single submitter. Criteria: ICSL Variant Classification Criteria 13 December 2019. Collection method: clinical testing. Allele origin: germline.

Ambry Genetics
Classification: Likely benign for Familial thoracic aortic aneurysm and aortic dissection. Last evaluated: 2017-07-27. Review status: criteria provided, single submitter. Criteria: Ambry Variant Classification Scheme 2023. Collection method: clinical testing. Allele origin: germline.

PreventionGenetics, part of Exact Sciences
Classification: Likely benign for MYH11-related condition. Last evaluated: 2023-10-30. Review status: no assertion criteria provided. Collection method: clinical testing. Allele origin: germline. Not counted in ClinVar's aggregate classification.
Comment: This variant is classified as likely benign based on ACMG/AMP sequence variant interpretation guidelines (Richards et al. 2015 PMID: 25741868, with internal and published modifications).

NM_002474.3(MYH11):c.4809G>A (p.Thr1603=)

Genes: NDE1 (nudE neurodevelopment protein 1; plus strand), MYH11 (myosin heavy chain 11; minus strand). Cytogenetic location: 16p13.11.
Variant type: single nucleotide variant.
Coding change: c.4809G>A on transcript NM_002474.3 (MANE Select); coding-DNA position 4809, G replaced by A.
Protein change: p.Thr1603=; no amino-acid change (threonine 1603 retained).
Molecular consequence: synonymous variant. On other transcripts: intron variant (2).
Genome position (GRCh38, 1-based): chr16:15,720,295, C>T on the plus strand (G>A on the coding strand, the complement: MYH11 is on the minus strand). VCF-style: chr16-15720295-C-T. GRCh37 (hg19) VCF-style: chr16-15814152-C-T.
Other names: c.4830G>A, p.Thr1610= (NM_001040113.2, NM_001040114.2); c.4809G>A, p.Thr1603= (NM_022844.3); c.948-3896C>T (NM_001143979.2, NM_017668.3).
Identifiers: ClinVar variation 318106 (VCV000318106.30), dbSNP rs140577744, ClinGen allele CA7921531.
Genomic context (GRCh38, chr16:15,720,295, plus strand): 5'-TTCCAGCTTCTTCTTTGCTGCAGCTGCCAGGGCACGTTGCTTTCGCTCGTCTTCCAGTTC[C>T]GTCTCATACTCGTGAAGCTGGGCGAGGAATAGAGATGTGTGCTGCCCCACTTGCCCCTGG-3'
Protein context (NP_002465.1, residues 1593-1613): QLQRQLHEYE[Thr1603=]ELEDERKQRA